The following is an entry in ClinVar:

NM_021870.2(FGG):c.953G>T (p.Gly318Val)

Gene: FGG (fibrinogen gamma chain; minus strand). Cytogenetic location: 4q32.1.
Variant type: single nucleotide variant.
Coding change: c.953G>T on transcript NM_021870.2; coding-DNA position 953, G replaced by T.
Protein change: p.Gly318Val; replaces glycine 318 with valine.
Molecular consequence: missense variant (on NM_021870.3).
Genome position (GRCh38, 1-based): chr4:154,606,881, C>A on the plus strand (G>T on the coding strand, the complement: FGG is on the minus strand). VCF-style: chr4-154606881-C-A. GRCh37 (hg19) VCF-style: chr4-155528033-C-A.
Other names: G292V; c.953G>T, p.Gly318Val (NM_000509.6, NM_021870.3); c.953G>T (NM_000509.5); short protein forms G318V.
Identifiers: ClinVar variation 16363 (VCV000016363.3), dbSNP rs121913089, ClinGen allele CA126393.

ClinVar aggregate classification (germline): Uncertain significance; other. Review status: no assertion criteria provided (0 of 4 stars). 2 submissions from 2 submitters: Uncertain significance (1). Last evaluated 2023-11-08.

Conditions:
FGG-related disorder. Also called: FGG-related condition.
FIBRINOGEN BALTIMORE 1.

Submissions (2):

PreventionGenetics, part of Exact Sciences
Classification: Uncertain significance for FGG-related condition. Last evaluated: 2023-11-08. Review status: no assertion criteria provided. Collection method: clinical testing. Allele origin: germline.
Comment: The FGG c.953G>T variant is predicted to result in the amino acid substitution p.Gly318Val. This variant has been reported in a study of Fibrinogen Baltimore I (Reported as p.Gly292Val, Bantia et al. 1990. PubMed ID: 2257302). A different missense variant (c.952G>A, p.Gly318Ser) in the same codon has been reported in the heterozygous state in individuals in a cohort study of patients with bleeding disorders (Downes et al. 2019. PubMed ID: 31064749. Suppl3_SNV+INDEL). This variant has not been reported in a large population database, indicating this variant is rare. Although we suspect that this variant may be pathogenic, at this time, the clinical significance of this variant is uncertain due to the absence of conclusive functional and genetic evidence.

OMIM
Classification: other for FIBRINOGEN BALTIMORE 1. Last evaluated: 2014-09-26. Review status: no assertion criteria provided. Collection method: literature only. Allele origin: germline.

Literature cited by the submitters: PubMed 4956920 (cited by OMIM); PubMed 1133167 (cited by OMIM); PubMed 2257302 (cited by OMIM).